The following is an entry in ClinVar:

ClinVar aggregate classification (germline): Pathogenic (1 of 4 stars; one submission).

Conditions:
Intellectual developmental disorder, autosomal dominant 43. Also called: Intellectual disability, autosomal dominant 43. Identifiers: MedGen C4707429, MONDO:0014858, OMIM 616977.

Submission:

GeneDx
Classification: Pathogenic. Last evaluated: 2015-07-20. Review status: criteria provided, single submitter. Criteria: GeneDx Variant Classification (06012015). Collection method: clinical testing. Allele origin: germline. Affected: yes.
Comment: The Q969X variant in the HIVEP2 gene has been observed in internal GeneDx whole exome sequencing data in association with learning disabilities, developmental delay, autism spectrum disorder, fatigability and hypotonia. This variant is predicted to cause loss of normal protein function either through protein truncation or nonsense-mediated mRNA decay. The Q969X variant was not observed in approximately 6,100 individuals of European and African American ancestry in the NHLBI Exome Sequencing Project, indicating it is not a common benign variant in these populations. We interpret Q969X as a pathogenic variant.

NM_006734.4(HIVEP2):c.2905C>T (p.Gln969Ter)

Gene: HIVEP2 (HIVEP zinc finger 2; minus strand). Cytogenetic location: 6q24.2.
Variant type: single nucleotide variant.
Coding change: c.2905C>T on transcript NM_006734.4 (MANE Select); coding-DNA position 2905, C replaced by T.
Protein change: p.Gln969Ter; replaces glutamine 969 with a stop codon.
Molecular consequence: nonsense.
Genome position (GRCh38, 1-based): chr6:142,771,834, G>A on the plus strand (C>T on the coding strand, the complement: HIVEP2 is on the minus strand). VCF-style: chr6-142771834-G-A. GRCh37 (hg19) VCF-style: chr6-143092971-G-A.
Other names: short protein forms Q969*.
Identifiers: ClinVar variation 224792 (VCV000224792.4), dbSNP rs869312842, ClinGen allele CA358389.